The following is an entry in ClinVar:

NM_015629.4(PRPF31):c.177+7G>A

Gene: PRPF31 (pre-mRNA processing factor 31; plus strand). Cytogenetic location: 19q13.42.
Variant type: single nucleotide variant.
Coding change: c.177+7G>A on transcript NM_015629.4 (MANE Select); 7 bases into the intron after coding-DNA position 177, G replaced by A.
Molecular consequence: intron variant.
Genome position (GRCh38, 1-based): chr19:54,118,462, G>A. VCF-style: chr19-54118462-G-A. GRCh37 (hg19) VCF-style: chr19-54621842-G-A.
Identifiers: ClinVar variation 330094 (VCV000330094.14), dbSNP rs886054618, ClinGen allele CA309320922.

ClinVar aggregate classification (germline): Conflicting classifications of pathogenicity. Review status: criteria provided, conflicting classifications (1 of 4 stars). 4 submissions from 4 submitters: Uncertain significance (1); Likely benign (3). Last evaluated 2025-05-29.

Conditions:
PRPF31-related disorder. Also called: PRPF31-related condition.
Retinitis pigmentosa (RP). Identifiers: Orphanet 791, MedGen C0035334, MeSH D012174, MONDO:0019200, OMIM 268000. Inheritance: Autosomal dominant, autosomal recessive and X linked inheritance.

Allele frequency attached by ClinVar (database versions not stated): gnomAD exomes 0.00001; gnomAD 0.00003; TOPMed 0.00008.

Submissions (4):

PreventionGenetics, part of Exact Sciences
Classification: Likely benign for PRPF31-related condition. Last evaluated: 2025-05-29. Review status: criteria provided, single submitter. Criteria: ACMG Guidelines, 2015. Collection method: clinical testing. Allele origin: germline.
Comment: This variant is classified as likely benign based on ACMG/AMP sequence variant interpretation guidelines (Richards et al. 2015 PMID: 25741868, with internal and published modifications).

Labcorp Genetics (formerly Invitae), Labcorp
Classification: Likely benign. Last evaluated: 2025-03-17. Review status: criteria provided, single submitter. Criteria: Invitae Variant Classification Sherloc (09022015). Collection method: clinical testing. Allele origin: germline.

Blueprint Genetics
Classification: Likely benign. Last evaluated: 2022-07-11. Review status: criteria provided, single submitter. Criteria: ACMG Guidelines, 2015. Collection method: clinical testing. Allele origin: germline.

Illumina Laboratory Services, Illumina
Classification: Uncertain significance for Retinitis pigmentosa. Last evaluated: 2018-01-13. Review status: criteria provided, single submitter. Criteria: ICSL Variant Classification Criteria 13 December 2019. Collection method: clinical testing. Allele origin: germline.